The following is an entry in ClinVar:

NM_015559.3(SETBP1):c.4471C>G (p.Leu1491Val)

Gene: SETBP1 (SET binding protein 1; plus strand). Cytogenetic location: 18q12.3.
Variant type: single nucleotide variant.
Coding change: c.4471C>G on transcript NM_015559.3 (MANE Select); coding-DNA position 4471, C replaced by G.
Protein change: p.Leu1491Val; replaces leucine 1491 with valine.
Molecular consequence: missense variant.
Genome position (GRCh38, 1-based): chr18:45,063,378, C>G. VCF-style: chr18-45063378-C-G. GRCh37 (hg19) VCF-style: chr18-42643343-C-G.
Other names: c.4471C>G, p.Leu1491Val (NM_001379141.1, NM_001379142.1); c.4300C>G, p.Leu1434Val (NM_001410862.1); short protein forms L1434V, L1491V.
Identifiers: ClinVar variation 1721065 (VCV001721065.5), dbSNP rs2511369255, ClinGen allele CA402483489.

ClinVar aggregate classification (germline): Uncertain significance (1 of 4 stars; one submission).

Submission:

Labcorp Genetics (formerly Invitae), Labcorp
Classification: Uncertain significance. Last evaluated: 2022-10-05. Review status: criteria provided, single submitter. Criteria: Invitae Variant Classification Sherloc (09022015). Collection method: clinical testing. Allele origin: germline.
Comment: This variant has not been reported in the literature in individuals affected with SETBP1-related conditions. Advanced modeling of protein sequence and biophysical properties (such as structural, functional, and spatial information, amino acid conservation, physicochemical variation, residue mobility, and thermodynamic stability) performed at Invitae indicates that this missense variant is not expected to disrupt SETBP1 protein function. In summary, the available evidence is currently insufficient to determine the role of this variant in disease. Therefore, it has been classified as a Variant of Uncertain Significance. This variant is not present in population databases (gnomAD no frequency). This sequence change replaces leucine, which is neutral and non-polar, with valine, which is neutral and non-polar, at codon 1491 of the SETBP1 protein (p.Leu1491Val).